The following is an entry in ClinVar:

NM_144997.7(FLCN):c.733A>T (p.Thr245Ser)

Gene: FLCN (folliculin; minus strand). Cytogenetic location: 17p11.2.
Variant type: single nucleotide variant.
Coding change: c.733A>T on transcript NM_144997.7 (MANE Select); coding-DNA position 733, A replaced by T.
Protein change: p.Thr245Ser; replaces threonine 245 with serine.
Molecular consequence: missense variant.
Genome position (GRCh38, 1-based): chr17:17,222,547, T>A on the plus strand (A>T on the coding strand, the complement: FLCN is on the minus strand). VCF-style: chr17-17222547-T-A. GRCh37 (hg19) VCF-style: chr17-17125861-T-A.
Other names: c.787A>T, p.Thr263Ser (NM_001353229.2); c.733A>T, p.Thr245Ser (NM_001353230.2, NM_001353231.2, NM_144606.7); short protein forms T245S, T263S.
Identifiers: ClinVar variation 4257910 (VCV004257910.1).

ClinVar aggregate classification (germline): Uncertain significance (1 of 4 stars; one submission).

Conditions:
Hereditary cancer-predisposing syndrome. Also called: Hereditary Cancer Syndrome; Hereditary neoplastic syndrome; Neoplastic Syndromes, Hereditary; Tumor predisposition. Identifiers: Orphanet 140162, MedGen C0027672, MeSH D009386, MONDO:0015356.

Submission:

Ambry Genetics
Classification: Uncertain significance for Hereditary cancer-predisposing syndrome. Last evaluated: 2025-08-01. Review status: criteria provided, single submitter. Criteria: Ambry Variant Classification Scheme 2023. Collection method: clinical testing. Allele origin: germline.
Comment: The p.T245S variant (also known as c.733A>T), located in coding exon 4 of the FLCN gene, results from an A to T substitution at nucleotide position 733. The threonine at codon 245 is replaced by serine, an amino acid with similar properties. This amino acid position is highly conserved in available vertebrate species. In addition, this alteration is predicted to be deleterious by in silico analysis. Based on the available evidence, the clinical significance of this variant remains unclear.